The following is an entry in ClinVar:

ClinVar aggregate classification (germline): Uncertain significance. Review status: criteria provided, multiple submitters, no conflicts (2 of 4 stars). 3 submissions from 3 submitters: Uncertain significance (3). Last evaluated 2025-12-02.

Conditions:
Inborn genetic diseases. Identifiers: MedGen C0950123, MeSH D030342.

gnomAD v4.1: 28 of 1,614,018 alleles (0.0017%); highest among the groups gnomAD compares: Admixed American, 0.045%; 1 homozygote.

Submissions (3):

Women's Health and Genetics/Laboratory Corporation of America, LabCorp
Classification: Uncertain significance. Last evaluated: 2025-12-02. Review status: criteria provided, single submitter. Criteria: LabCorp Variant Classification Summary - May 2015. Collection method: clinical testing. Allele origin: germline.
Comment: Variant summary: VWF c.2554C>G (p.Gln852Glu) results in a conservative amino acid change in the encoded protein sequence. Algorithms developed to predict the effect of missense changes on protein structure and function all suggest that this variant is likely to be tolerated. The variant allele was found at a frequency of 3.2e-05 in 251390 control chromosomes. The available data on variant occurrences in the general population are insufficient to allow any conclusion about variant significance. To our knowledge, no occurrence of c.2554C>G in individuals affected with VWF-related conditions and no experimental evidence demonstrating its impact on protein function have been reported. ClinVar contains an entry for this variant (Variation ID: 2512096). Based on the evidence outlined above, the variant was classified as uncertain significance.

Ambry Genetics
Classification: Uncertain significance for Inborn genetic diseases. Last evaluated: 2023-06-12. Review status: criteria provided, single submitter. Criteria: Ambry Variant Classification Scheme 2023. Collection method: clinical testing. Allele origin: germline.

Quest Diagnostics Nichols Institute San Juan Capistrano
Classification: Uncertain significance. Last evaluated: 2023-05-31. Review status: criteria provided, single submitter. Criteria: Quest Diagnostics criteria. Collection method: clinical testing. Allele origin: unknown.
Comment: This variant has not been reported in the published literature. The frequency of this variant in the general population, 0.00025 (9/35426 chromosomes), is uninformative in assessment of its pathogenicity. Analysis of this variant using bioinformatics tools for the prediction of the effect of amino acid changes on protein structure and function yielded predictions that this variant is benign. Based on the available information, we are unable to determine the clinical significance of this variant.

NM_000552.5(VWF):c.2554C>G (p.Gln852Glu)

Gene: VWF (von Willebrand factor; minus strand). Cytogenetic location: 12p13.31.
Variant type: single nucleotide variant.
Coding change: c.2554C>G on transcript NM_000552.5 (MANE Select); coding-DNA position 2554, C replaced by G.
Protein change: p.Gln852Glu; replaces glutamine 852 with glutamic acid.
Molecular consequence: missense variant.
Genome position (GRCh38, 1-based): chr12:6,034,819, G>C on the plus strand (C>G on the coding strand, the complement: VWF is on the minus strand). VCF-style: chr12-6034819-G-C. GRCh37 (hg19) VCF-style: chr12-6143985-G-C.
Other names: c.2554C>G (NM_000552.4); short protein forms Q852E.
Identifiers: ClinVar variation 2512096 (VCV002512096.4), dbSNP rs772534075, ClinGen allele CA6403024.